The following is an entry in ClinVar:

NM_004260.4(RECQL4):c.8G>A (p.Arg3Gln)

Genes: RECQL4 (RecQ like helicase 4; minus strand), LOC130001411 (ATAC-STARR-seq lymphoblastoid silent region 19699; plus strand). Cytogenetic location: 8q24.3.
Variant type: single nucleotide variant.
Coding change: c.8G>A on transcript NM_004260.4 (MANE Select); coding-DNA position 8, G replaced by A.
Protein change: p.Arg3Gln; replaces arginine 3 with glutamine.
Molecular consequence: missense variant.
Genome position (GRCh38, 1-based): chr8:144,517,777, C>T on the plus strand (G>A on the coding strand, the complement: RECQL4 is on the minus strand). VCF-style: chr8-144517777-C-T. GRCh37 (hg19) VCF-style: chr8-145743161-C-T.
Other names: c.8G>A (NM_004260.3); short protein forms R3Q.
Identifiers: ClinVar variation 1023846 (VCV001023846.4), dbSNP rs979012066, ClinGen allele CA372694019.

ClinVar aggregate classification (germline): Uncertain significance. Review status: criteria provided, multiple submitters, no conflicts (2 of 4 stars). 2 submissions from 2 submitters: Uncertain significance (2). Last evaluated 2026-05-30.

Conditions:
Baller-Gerold syndrome (BGS). Also called: CRANIOSYNOSTOSIS WITH RADIAL DEFECTS. Identifiers: Orphanet 1225, MedGen C0265308, MONDO:0009039, OMIM 218600.
Inborn genetic diseases. Identifiers: MedGen C0950123, MeSH D030342.

Submissions (2):

Ambry Genetics
Classification: Uncertain significance for Inborn genetic diseases. Last evaluated: 2026-05-30. Review status: criteria provided, single submitter. Criteria: Ambry Variant Classification Scheme 2023. Collection method: clinical testing. Allele origin: germline.
Comment: The p.R3Q variant (also known as c.8G>A), located in coding exon 1 of the RECQL4 gene, results from a G to A substitution at nucleotide position 8. The arginine at codon 3 is replaced by glutamine, an amino acid with highly similar properties. This amino acid position is conserved. In addition, this alteration is predicted to be tolerated by in silico analysis. Based on the available evidence, the clinical significance of this variant remains unclear.

Labcorp Genetics (formerly Invitae), Labcorp
Classification: Uncertain significance for Baller-Gerold syndrome. Last evaluated: 2023-07-07. Review status: criteria provided, single submitter. Criteria: Invitae Variant Classification Sherloc (09022015). Collection method: clinical testing. Allele origin: germline.
Comment: In summary, the available evidence is currently insufficient to determine the role of this variant in disease. Therefore, it has been classified as a Variant of Uncertain Significance. Algorithms developed to predict the effect of missense changes on protein structure and function output the following: SIFT: "Not Available"; PolyPhen-2: "Not Available"; Align-GVGD: "Not Available". The glutamine amino acid residue is found in multiple mammalian species, which suggests that this missense change does not adversely affect protein function. ClinVar contains an entry for this variant (Variation ID: 1023846). This variant has not been reported in the literature in individuals affected with RECQL4-related conditions. This variant is not present in population databases (gnomAD no frequency). This sequence change replaces arginine, which is basic and polar, with glutamine, which is neutral and polar, at codon 3 of the RECQL4 protein (p.Arg3Gln).